The following is an entry in ClinVar:

ClinVar aggregate classification (germline): Uncertain significance (1 of 4 stars; one submission).

Conditions:
Peroxisome biogenesis disorder 11A (Zellweger). Also called: Peroxisome biogenesis disorder 11A. Identifiers: Orphanet 912, MedGen C3554000, MONDO:0013949, OMIM 614883.

Submission:

Labcorp Genetics (formerly Invitae), Labcorp
Classification: Uncertain significance for Peroxisome biogenesis disorder 11A (Zellweger). Last evaluated: 2021-08-26. Review status: criteria provided, single submitter. Criteria: Invitae Variant Classification Sherloc (09022015). Collection method: clinical testing. Allele origin: germline.
Comment: This sequence change replaces threonine with isoleucine at codon 322 of the PEX13 protein (p.Thr322Ile). The threonine residue is highly conserved and there is a moderate physicochemical difference between threonine and isoleucine. This variant is not present in population databases (ExAC no frequency). This variant has not been reported in the literature in individuals affected with PEX13-related conditions. Algorithms developed to predict the effect of missense changes on protein structure and function are either unavailable or do not agree on the potential impact of this missense change (SIFT: "Tolerated"; PolyPhen-2: "Possibly Damaging"; Align-GVGD: "Class C0"). In summary, the available evidence is currently insufficient to determine the role of this variant in disease. Therefore, it has been classified as a Variant of Uncertain Significance.

NM_002618.4(PEX13):c.965C>T (p.Thr322Ile)

Gene: PEX13 (peroxisomal biogenesis factor 13; plus strand). Cytogenetic location: 2p15.
Variant type: single nucleotide variant.
Coding change: c.965C>T on transcript NM_002618.4 (MANE Select); coding-DNA position 965, C replaced by T.
Protein change: p.Thr322Ile; replaces threonine 322 with isoleucine.
Molecular consequence: missense variant.
Genome position (GRCh38, 1-based): chr2:61,048,523, C>T. VCF-style: chr2-61048523-C-T. GRCh37 (hg19) VCF-style: chr2-61275658-C-T.
Other names: short protein forms T322I.
Identifiers: ClinVar variation 1378006 (VCV001378006.5), dbSNP rs920607306, ClinGen allele CA346949687.